The following is an entry in ClinVar:

ClinVar aggregate classification (germline): Uncertain significance (1 of 4 stars; one submission).

Conditions:
Congenital heart defects, dysmorphic facial features, and intellectual developmental disorder (CHDFIDD). Identifiers: Orphanet 646278, MedGen C4479246, MONDO:0044302, OMIM 617360.

gnomAD v4.1: 2 of 1,590,988 alleles (0.00013%); highest among the groups gnomAD compares: South Asian, 0.0012%; no homozygotes.

Submission:

Neuberg Centre For Genomic Medicine, NCGM
Classification: Uncertain significance for Congenital heart defects, dysmorphic facial features, and intellectual developmental disorder. Review status: criteria provided, single submitter. Criteria: ACMG Guidelines, 2015. Collection method: clinical testing. Allele origin: germline. Inheritance: Autosomal dominant inheritance. Affected: yes.
Comment: The observed missense c.1865C>T(p.Ala622Val) variant in CDK13 gene has not been reported previously as a pathogenic variant nor as a benign variant, to our knowledge. This variant is present with an allele frequency of 0.0004% in gnomAD Exomes database. This variant has not been reported to the ClinVar database. Computational evidence (Polyphen -Benign , SIFT -Tolerated and MutationTaster -polymorphism) predicts no damaging effect on protein structure and function for this variant. The amino acid change p.Ala622Val in CDK13 is predicted as conserved by GERP++ and PhyloP across 100 vertebrates. The amino acid Ala at position 622 is changed to a Val changing protein sequence and it might alter its composition and physico-chemical properties. For these reasons, this variant has been classified as Uncertain Significance (VUS).

NM_003718.5(CDK13):c.1865C>T (p.Ala622Val)

Gene: CDK13 (cyclin dependent kinase 13; plus strand). Cytogenetic location: 7p14.1.
Variant type: single nucleotide variant.
Coding change: c.1865C>T on transcript NM_003718.5 (MANE Select); coding-DNA position 1865, C replaced by T.
Protein change: p.Ala622Val; replaces alanine 622 with valine.
Molecular consequence: missense variant.
Genome position (GRCh38, 1-based): chr7:39,988,252, C>T. VCF-style: chr7-39988252-C-T. GRCh37 (hg19) VCF-style: chr7-40027851-C-T.
Other names: c.1865C>T, p.Ala622Val (NM_031267.4); short protein forms A622V.
Identifiers: ClinVar variation 3377597 (VCV003377597.1).
Genomic context (GRCh38, chr7:39,988,252, plus strand): 5'-TAGTCACCTCTACATTACCACCGTTACCTTTGCCTCCCATGCTGCCTGAAGATAAAGAAG[C>T]TGATAGGTAAGTGCAAAAAGTATTTGTCAATAACTGTTCAAAGAAAAAATGTAAGTCTGA-3'
Protein context (NP_003709.3, residues 612-632): LPPMLPEDKE[Ala622Val]DSLRGNISVK